The following is an entry in ClinVar:

ClinVar aggregate classification (germline): Uncertain significance (1 of 4 stars; one submission).

Submission:

Labcorp Genetics (formerly Invitae), Labcorp
Classification: Uncertain significance. Last evaluated: 2023-04-24. Review status: criteria provided, single submitter. Criteria: Invitae Variant Classification Sherloc (09022015). Collection method: clinical testing. Allele origin: germline.
Comment: In summary, the available evidence is currently insufficient to determine the role of this variant in disease. Therefore, it has been classified as a Variant of Uncertain Significance. Variants that disrupt the consensus splice site are a relatively common cause of aberrant splicing (PMID: 17576681, 9536098). Algorithms developed to predict the effect of sequence changes on RNA splicing suggest that this variant may disrupt the consensus splice site. ClinVar contains an entry for this variant (Variation ID: 2027213). This variant has not been reported in the literature in individuals affected with COL2A1-related conditions. This variant is not present in population databases (gnomAD no frequency). This sequence change falls in intron 33 of the COL2A1 gene. It does not directly change the encoded amino acid sequence of the COL2A1 protein. It affects a nucleotide within the consensus splice site.

Literature cited by the submitters: PubMed 17576681; PubMed 9536098.

NM_001844.5(COL2A1):c.2193+5G>C

Gene: COL2A1 (collagen type II alpha 1 chain; minus strand). Cytogenetic location: 12q13.11.
Variant type: single nucleotide variant.
Coding change: c.2193+5G>C on transcript NM_001844.5 (MANE Select); 5 bases into the intron after coding-DNA position 2193, G replaced by C.
Molecular consequence: intron variant.
Genome position (GRCh38, 1-based): chr12:47,982,843, C>G on the plus strand (G>C on the coding strand, the complement: COL2A1 is on the minus strand). VCF-style: chr12-47982843-C-G. GRCh37 (hg19) VCF-style: chr12-48376626-C-G.
Other names: c.1986+5G>C (NM_033150.3).
Identifiers: ClinVar variation 2027213 (VCV002027213.4), dbSNP rs2540135569, ClinGen allele CA2580085591.